The following is an entry in ClinVar:

ClinVar aggregate classification (germline): Uncertain significance (1 of 4 stars; one submission).

Conditions:
Early-infantile DEE. Also called: Early infantile epileptic encephalopathy; Ohtahara syndrome; Early infantile epileptic encephalopathy with suppression bursts. Identifiers: Orphanet 1934, MedGen C0393706, MONDO:0800491.

gnomAD v4.1: 6 of 1,612,756 alleles (0.00037%); highest among the groups gnomAD compares: Middle Eastern, 0.017%; no homozygotes.

Submission:

Labcorp Genetics (formerly Invitae), Labcorp
Classification: Uncertain significance for Early-infantile DEE. Last evaluated: 2024-12-15. Review status: criteria provided, single submitter. Criteria: Invitae Variant Classification Sherloc (09022015). Collection method: clinical testing. Allele origin: germline.
Comment: This sequence change replaces glycine, which is neutral and non-polar, with valine, which is neutral and non-polar, at codon 831 of the HCN1 protein (p.Gly831Val). This variant is present in population databases (no rsID available, gnomAD no frequency). This variant has not been reported in the literature in individuals affected with HCN1-related conditions. ClinVar contains an entry for this variant (Variation ID: 2144103). Invitae Evidence Modeling of protein sequence and biophysical properties (such as structural, functional, and spatial information, amino acid conservation, physicochemical variation, residue mobility, and thermodynamic stability) indicates that this missense variant is not expected to disrupt HCN1 protein function with a negative predictive value of 95%. In summary, the available evidence is currently insufficient to determine the role of this variant in disease. Therefore, it has been classified as a Variant of Uncertain Significance.

NM_021072.4(HCN1):c.2492G>T (p.Gly831Val)

Gene: HCN1 (hyperpolarization activated cyclic nucleotide gated potassium channel 1; minus strand). Cytogenetic location: 5p12.
Variant type: single nucleotide variant.
Coding change: c.2492G>T on transcript NM_021072.4 (MANE Select); coding-DNA position 2492, G replaced by T.
Protein change: p.Gly831Val; replaces glycine 831 with valine.
Molecular consequence: missense variant.
Genome position (GRCh38, 1-based): chr5:45,262,102, C>A on the plus strand (G>T on the coding strand, the complement: HCN1 is on the minus strand). VCF-style: chr5-45262102-C-A. GRCh37 (hg19) VCF-style: chr5-45262204-C-A.
Other names: short protein forms G831V.
Identifiers: ClinVar variation 2144103 (VCV002144103.4), dbSNP rs756131996, ClinGen allele CA359703234.